The following is an entry in ClinVar:

ClinVar aggregate classification (germline): Uncertain significance. Review status: criteria provided, multiple submitters, no conflicts (2 of 4 stars). 4 submissions from 4 submitters: Uncertain significance (4). Last evaluated 2025-11-10.

Conditions:
Cardiovascular phenotype. Identifiers: MedGen CN230736.
Long QT syndrome (LQTS). Identifiers: MedGen C0023976, MeSH D008133, MONDO:0002442. Disease mechanism: loss of function. Inheritance: Various modes of inheritance.
Dilated cardiomyopathy 1DD (CMD1DD). Identifiers: Orphanet 154, MedGen C2750995, MONDO:0013168, OMIM 613172.

Allele frequency attached by ClinVar (database versions not stated): gnomAD exomes 0.00001.
gnomAD v4.1: 12 of 1,551,686 alleles (0.00077%); highest among the groups gnomAD compares: Middle Eastern, 0.017%; no homozygotes.

Submissions (4):

Ambry Genetics
Classification: Uncertain significance for Cardiovascular phenotype. Last evaluated: 2025-11-10. Review status: criteria provided, single submitter. Criteria: Ambry Variant Classification Scheme 2023. Collection method: clinical testing. Allele origin: germline.
Comment: The p.G259V variant (also known as c.776G>T), located in coding exon 2 of the RBM20 gene, results from a G to T substitution at nucleotide position 776. The glycine at codon 259 is replaced by valine, an amino acid with dissimilar properties. This amino acid position is not well conserved in available vertebrate species. In addition, this alteration is predicted to be tolerated by in silico analysis. Based on the available evidence, the clinical significance of this variant remains unclear.

Dept of Medical Biology, Uskudar University
Classification: Uncertain significance for Long QT syndrome. Last evaluated: 2024-01-08. Review status: criteria provided, single submitter. Criteria: Dept of Medical Biology Variant Classification. Collection method: research. Allele origin: paternal. Affected: yes. Observed: 1 variant allele.
Comment: Criteria: PM2

Fulgent Genetics
Classification: Uncertain significance for Dilated cardiomyopathy 1DD. Last evaluated: 2022-04-20. Review status: criteria provided, single submitter. Criteria: ACMG Guidelines, 2015. Collection method: clinical testing. Allele origin: unknown.

Illumina Laboratory Services, Illumina
Classification: Uncertain significance for Dilated cardiomyopathy 1DD. Last evaluated: 2018-01-12. Review status: criteria provided, single submitter. Criteria: ICSL Variant Classification Criteria 13 December 2019. Collection method: clinical testing. Allele origin: germline.

NM_001134363.3(RBM20):c.776G>T (p.Gly259Val)

Gene: RBM20 (RNA binding motif protein 20; plus strand). Cytogenetic location: 10q25.2.
Variant type: single nucleotide variant.
Coding change: c.776G>T on transcript NM_001134363.3 (MANE Select); coding-DNA position 776, G replaced by T.
Protein change: p.Gly259Val; replaces glycine 259 with valine.
Molecular consequence: missense variant.
Genome position (GRCh38, 1-based): chr10:110,781,385, G>T. VCF-style: chr10-110781385-G-T. GRCh37 (hg19) VCF-style: chr10-112541143-G-T.
Other names: short protein forms G259V.
Identifiers: ClinVar variation 879093 (VCV000879093.9), dbSNP rs940901720, ClinGen allele CA213234872.